The following is an entry in ClinVar:

ClinVar aggregate classification (germline): Uncertain significance. Review status: criteria provided, multiple submitters, no conflicts (2 of 4 stars). 2 submissions from 2 submitters: Uncertain significance (2). Last evaluated 2024-02-27.

Conditions:
Inborn genetic diseases. Identifiers: MedGen C0950123, MeSH D030342.

Allele frequency attached by ClinVar (database versions not stated): ExAC 0.00002; gnomAD exomes 0.00002; gnomAD 0.00004; ESP Exome Variant Server 0.00008; TOPMed 0.00008.
gnomAD v4.1: 42 of 1,613,934 alleles (0.0026%); highest among the groups gnomAD compares: African/African-American, 0.023%; no homozygotes.

Submissions (2):

Ambry Genetics
Classification: Uncertain significance for Inborn genetic diseases. Last evaluated: 2024-02-27. Review status: criteria provided, single submitter. Criteria: Ambry Variant Classification Scheme 2023. Collection method: clinical testing. Allele origin: germline.

Labcorp Genetics (formerly Invitae), Labcorp
Classification: Uncertain significance. Last evaluated: 2022-06-27. Review status: criteria provided, single submitter. Criteria: Invitae Variant Classification Sherloc (09022015). Collection method: clinical testing. Allele origin: germline.
Comment: This sequence change replaces valine, which is neutral and non-polar, with methionine, which is neutral and non-polar, at codon 49 of the ISCU protein (p.Val49Met). This variant is present in population databases (rs371513074, gnomAD 0.02%). This variant has not been reported in the literature in individuals affected with ISCU-related conditions. Algorithms developed to predict the effect of missense changes on protein structure and function are either unavailable or do not agree on the potential impact of this missense change (SIFT: "Deleterious"; PolyPhen-2: "Probably Damaging"; Align-GVGD: "Class C15"). In summary, the available evidence is currently insufficient to determine the role of this variant in disease. Therefore, it has been classified as a Variant of Uncertain Significance.

NM_213595.4(ISCU):c.145G>A (p.Val49Met)

Gene: ISCU (iron-sulfur cluster assembly enzyme; plus strand). Cytogenetic location: 12q23.3.
Variant type: single nucleotide variant.
Coding change: c.145G>A on transcript NM_213595.4 (MANE Select); coding-DNA position 145, G replaced by A.
Protein change: p.Val49Met; replaces valine 49 with methionine.
Molecular consequence: missense variant. On other transcripts: non-coding transcript variant (1).
Genome position (GRCh38, 1-based): chr12:108,564,309, G>A. VCF-style: chr12-108564309-G-A. GRCh37 (hg19) VCF-style: chr12-108958085-G-A.
Other names: c.145G>A, p.Val49Met (NM_001301140.1, NM_001301141.1, NM_001320042.1); c.70G>A, p.Val24Met (NM_014301.4); c.145G>A (NM_213595.2); short protein forms V24M, V49M.
Identifiers: ClinVar variation 1359255 (VCV001359255.4), dbSNP rs371513074, ClinGen allele CA6768778.
Genomic context (GRCh38, chr12:108,564,309, plus strand): 5'-ACATGATTTATCTTAACCCTCTCATTTTAGGTTGTTGATCATTATGAAAATCCTAGAAAC[G>A]TGGGGTCCCTTGACAAGACATCTAAAAATGTTGGAACTGGACTGGTGGGGGCTCCAGCAT-3'
Protein context (NP_998760.1, residues 39-59): VVDHYENPRN[Val49Met]GSLDKTSKNV